The following is an entry in ClinVar:

NM_001367624.2(ZNF469):c.4946C>A (p.Ala1649Glu)

Gene: ZNF469 (zinc finger protein 469; plus strand). Cytogenetic location: 16q24.2.
Variant type: single nucleotide variant.
Coding change: c.4946C>A on transcript NM_001367624.2 (MANE Select); coding-DNA position 4946, C replaced by A.
Protein change: p.Ala1649Glu; replaces alanine 1649 with glutamic acid.
Molecular consequence: missense variant.
Genome position (GRCh38, 1-based): chr16:88,432,416, C>A. VCF-style: chr16-88432416-C-A. GRCh37 (hg19) VCF-style: chr16-88498824-C-A.
Other names: NM_001127464.1:c.4862C>A; short protein forms A1649E.
Identifiers: ClinVar variation 3476174 (VCV003476174.1).

ClinVar aggregate classification (germline): Uncertain significance (1 of 4 stars; one submission).

Conditions:
Cardiovascular phenotype. Identifiers: MedGen CN230736.

Submission:

Ambry Genetics
Classification: Uncertain significance for Cardiovascular phenotype. Last evaluated: 2024-08-03. Review status: criteria provided, single submitter. Criteria: Ambry Variant Classification Scheme 2023. Collection method: clinical testing. Allele origin: germline.
Comment: The p.A1621E variant (also known as c.4862C>A), located in coding exon 2 of the ZNF469 gene, results from a C to A substitution at nucleotide position 4862. The alanine at codon 1621 is replaced by glutamic acid, an amino acid with dissimilar properties. This amino acid position is conserved. In addition, this alteration is predicted to be tolerated by in silico analysis. Based on the available evidence, the clinical significance of this variant remains unclear.